The following is an entry in ClinVar:

ClinVar aggregate classification (germline): Pathogenic (1 of 4 stars; one submission).

Submission:

Labcorp Genetics (formerly Invitae), Labcorp
Classification: Pathogenic. Last evaluated: 2019-10-18. Review status: criteria provided, single submitter. Criteria: Invitae Variant Classification Sherloc (09022015). Collection method: clinical testing. Allele origin: germline.
Comment: For these reasons, this variant has been classified as Pathogenic. Loss-of-function variants in PHEX are known to be pathogenic (PMID: 9097956, 9106524, 19219621). This variant is not present in population databases (ExAC no frequency). This sequence change creates a premature translational stop signal (p.Tyr512Phefs*2) in the PHEX gene. It is expected to result in an absent or disrupted protein product.

Literature cited by the submitters: PubMed 9097956; PubMed 9106524; PubMed 19219621.

NM_000444.6(PHEX):c.1535del (p.Tyr512fs)

Gene: PHEX (phosphate regulating endopeptidase X-linked; plus strand). Cytogenetic location: Xp22.11.
Variant type: Deletion.
Coding change: c.1535del on transcript NM_000444.6 (MANE Select); coding-DNA position 1535, one base deleted (A; older notation c.1535delA).
Protein change: p.Tyr512fs; shifts the reading frame from tyrosine 512.
Molecular consequence: frameshift variant.
Genome position (GRCh38, 1-based): chrX:22,178,325, A deleted. VCF-style (leftmost placement, unchanged base first): chrX-22178324-TA-T. GRCh37 (hg19) VCF-style: chrX-22196441-TA-T.
Other names: c.1535del, p.Tyr512fs (NM_001282754.2); short protein forms Y512fs.
Identifiers: ClinVar variation 942716 (VCV000942716.9), dbSNP rs1933775645, ClinGen allele CA1139667300.